The following is an entry in ClinVar:

NM_000152.5(GAA):c.984T>C (p.Leu328=)

Gene: GAA (alpha glucosidase; plus strand). Cytogenetic location: 17q25.3.
Variant type: single nucleotide variant.
Coding change: c.984T>C on transcript NM_000152.5 (MANE Select); coding-DNA position 984, T replaced by C.
Protein change: p.Leu328=; no amino-acid change (leucine 328 retained).
Molecular consequence: synonymous variant.
Genome position (GRCh38, 1-based): chr17:80,108,318, T>C. VCF-style: chr17-80108318-T-C. GRCh37 (hg19) VCF-style: chr17-78082117-T-C.
Other names: c.984T>C, p.Leu328= (NM_001406741.1, NM_001406742.1, NM_001079803.3 and 1 more transcripts).
Identifiers: ClinVar variation 4876576 (VCV004876576.1).
Genomic context (GRCh38, chr17:80,108,318, plus strand): 5'-GTCCCCCAACCCCAGAGCTGCTTCCCTTCCAGATGTGGTCCTGCAGCCGAGCCCTGCCCT[T>C]AGCTGGAGGTCGACAGGTGGGATCCTGGATGTCTACATCTTCCTGGGCCCAGAGCCCAAG-3'
Protein context (NP_000143.2, residues 318-338): MDVVLQPSPA[Leu328=]SWRSTGGILD

ClinVar aggregate classification (germline): Likely benign (1 of 4 stars; one submission).

Conditions:
Glycogen storage disease, type II (IOPD). Also called: Pompe Disease; CARDIOMEGALIA GLYCOGENICA DIFFUSA; GLYCOGENOSIS, GENERALIZED, CARDIAC FORM; GSD II; POMPE DISEASE, INFANTILE-ONSET; GLYCOGEN STORAGE DISEASE II, INFANTILE-ONSET. Identifiers: Orphanet 365, MedGen C0017921, MONDO:0009290, OMIM 232300.

Submission:

Genomenon, Inc
Classification: Likely benign for Glycogen storage disease, type II. Last evaluated: 2026-07-01. Review status: criteria provided, single submitter. Criteria: Genomenon Sequence Variant Interpretation Standards - Updated. Collection method: curation. Allele origin: germline. Affected: no.
Comment: GAA c.984T>C is a synonymous variant that retains Leucine at codon 328. This variant has been reported in the published literature (PMID:29149851). It is absent or not present at a significant frequency in gnomAD. This variant is not predicted to impact splicing. In conclusion, we classify GAA c.984T>C (p.Leu328=) as a likely benign variant.

Literature cited by the submitters: PubMed 29149851.